The following is an entry in ClinVar:

NM_005477.3(HCN4):c.1115G>A (p.Arg372Gln)

Genes: HCN4 (hyperpolarization activated cyclic nucleotide gated potassium channel 4; minus strand), LOC105370890 (uncharacterized LOC105370890; plus strand), LOC126862173 (CDK7 strongly-dependent group 2 enhancer GRCh37_chr15:73635762-73636961; plus strand). Cytogenetic location: 15q24.1.
Variant type: single nucleotide variant.
Coding change: c.1115G>A on transcript NM_005477.3 (MANE Select); coding-DNA position 1115, G replaced by A.
Protein change: p.Arg372Gln; replaces arginine 372 with glutamine.
Molecular consequence: missense variant.
Genome position (GRCh38, 1-based): chr15:73,343,479, C>T on the plus strand (G>A on the coding strand, the complement: HCN4 is on the minus strand). VCF-style: chr15-73343479-C-T. GRCh37 (hg19) VCF-style: chr15-73635820-C-T.
Other names: short protein forms R372Q.
Identifiers: ClinVar variation 950256 (VCV000950256.12), dbSNP rs748658688, ClinGen allele CA7649365.

ClinVar aggregate classification (germline): Uncertain significance. Review status: criteria provided, multiple submitters, no conflicts (2 of 4 stars). 3 submissions from 3 submitters: Uncertain significance (3). Last evaluated 2025-05-30.

Conditions:
Sick sinus syndrome 2, autosomal dominant (SSS2). Also called: SICK SINUS SYNDROME 2; SINUS BRADYCARDIA SYNDROME, FAMILIAL, AUTOSOMAL DOMINANT; SINUS NODE DISEASE, FAMILIAL, AUTOSOMAL DOMINANT; SICK SINUS SYNDROME 2 WITH OR WITHOUT CARDIAC NONCOMPACTION AND/OR ASCENDING AORTA DILATION; ATRIAL FIBRILLATION WITH BRADYARRHYTHMIA. Identifiers: Orphanet 166282, MedGen C1834144, MONDO:0008102, OMIM 163800.
Epilepsy, idiopathic generalized, susceptibility to, 18. Identifiers: MedGen C5561983, MONDO:0030434, OMIM 619521.
Brugada syndrome 8 (BRGDA8). Identifiers: Orphanet 130, MedGen C2751083, MONDO:0013148, OMIM 613123.
Cardiovascular phenotype. Identifiers: MedGen CN230736.

Allele frequency attached by ClinVar (database versions not stated): TOPMed below 0.00001; gnomAD 0.00001; ExAC 0.00002; gnomAD exomes 0.00002.
gnomAD v4.1: 11 of 1,614,062 alleles (0.00068%); highest among the groups gnomAD compares: East Asian, 0.0045%; no homozygotes.

Submissions (3):

Ambry Genetics
Classification: Uncertain significance for Cardiovascular phenotype. Last evaluated: 2025-05-30. Review status: criteria provided, single submitter. Criteria: Ambry Variant Classification Scheme 2023. Collection method: clinical testing. Allele origin: germline.
Comment: The p.R372Q variant (also known as c.1115G>A), located in coding exon 2 of the HCN4 gene, results from a G to A substitution at nucleotide position 1115. The arginine at codon 372 is replaced by glutamine, an amino acid with highly similar properties. This amino acid position is conserved. In addition, this alteration is predicted to be deleterious by in silico analysis. Based on the available evidence, the clinical significance of this variant remains unclear.

Labcorp Genetics (formerly Invitae), Labcorp
Classification: Uncertain significance for Brugada syndrome 8. Last evaluated: 2024-01-11. Review status: criteria provided, single submitter. Criteria: Invitae Variant Classification Sherloc (09022015). Collection method: clinical testing. Allele origin: germline.
Comment: This sequence change replaces arginine, which is basic and polar, with glutamine, which is neutral and polar, at codon 372 of the HCN4 protein (p.Arg372Gln). This variant is present in population databases (rs748658688, gnomAD 0.02%). This variant has not been reported in the literature in individuals affected with HCN4-related conditions. ClinVar contains an entry for this variant (Variation ID: 950256). Advanced modeling of protein sequence and biophysical properties (such as structural, functional, and spatial information, amino acid conservation, physicochemical variation, residue mobility, and thermodynamic stability) performed at Invitae indicates that this missense variant is expected to disrupt HCN4 protein function with a positive predictive value of 80%. In summary, the available evidence is currently insufficient to determine the role of this variant in disease. Therefore, it has been classified as a Variant of Uncertain Significance.

Fulgent Genetics
Classification: Uncertain significance for Sick sinus syndrome 2, autosomal dominant; Brugada syndrome 8; Epilepsy, idiopathic generalized, susceptibility to, 18. Last evaluated: 2021-10-11. Review status: criteria provided, single submitter. Criteria: ACMG Guidelines, 2015. Collection method: clinical testing. Allele origin: unknown.